The following is an entry in ClinVar:

NM_177438.3(DICER1):c.3219G>C (p.Gln1073His)

Gene: DICER1 (dicer 1, ribonuclease III; minus strand). Cytogenetic location: 14q32.13.
Variant type: single nucleotide variant.
Coding change: c.3219G>C on transcript NM_177438.3 (MANE Select); coding-DNA position 3219, G replaced by C.
Protein change: p.Gln1073His; replaces glutamine 1073 with histidine.
Molecular consequence: missense variant.
Genome position (GRCh38, 1-based): chr14:95,105,121, C>G on the plus strand (G>C on the coding strand, the complement: DICER1 is on the minus strand). VCF-style: chr14-95105121-C-G. GRCh37 (hg19) VCF-style: chr14-95571458-C-G.
Other names: c.3219G>C, p.Gln1073His (NM_001195573.1, NM_001271282.3, NM_001291628.2 and 1 more transcripts); short protein forms Q1073H.
Identifiers: ClinVar variation 823229 (VCV000823229.4), dbSNP rs1595370700, ClinGen allele CA390876471.
Genomic context (GRCh38, chr14:95,105,121, plus strand): 5'-ACAGGCATACCTAAAATCCGCAGGAAGTGATCTGACTCCCACGCCAGCATCGCTGGCAGT[C>G]TGGGCTCTTAGCTCCTCTGCAGTCAAAAGGCAGTGAAGGCGATAAAGTATGCTGGGGAGA-3'
Protein context (NP_803187.1, residues 1063-1083): CLLTAEELRA[Gln1073His]TASDAGVGVR

ClinVar aggregate classification (germline): Uncertain significance (1 of 4 stars; one submission).

Conditions:
Hereditary cancer-predisposing syndrome. Also called: Tumor predisposition; Hereditary Cancer Syndrome; Neoplastic Syndromes, Hereditary; Hereditary neoplastic syndrome. Identifiers: Orphanet 140162, MedGen C0027672, MeSH D009386, MONDO:0015356.

Submission:

Ambry Genetics
Classification: Uncertain significance for Hereditary cancer-predisposing syndrome. Last evaluated: 2019-09-28. Review status: criteria provided, single submitter. Criteria: Ambry Variant Classification Scheme 2023. Collection method: clinical testing. Allele origin: germline.
Comment: The p.Q1073H variant (also known as c.3219G>C), located in coding exon 19 of the DICER1 gene, results from a G to C substitution at nucleotide position 3219. The glutamine at codon 1073 is replaced by histidine, an amino acid with highly similar properties. This amino acid position is well conserved in available vertebrate species. In addition, this alteration is predicted to be tolerated by in silico analysis. Since supporting evidence is limited at this time, the clinical significance of this alteration remains unclear.